The following is an entry in ClinVar:

NM_005186.4(CAPN1):c.759C>T (p.Asp253=)

Gene: CAPN1 (calpain 1; plus strand). Cytogenetic location: 11q13.1.
Variant type: single nucleotide variant.
Coding change: c.759C>T on transcript NM_005186.4 (MANE Select); coding-DNA position 759, C replaced by T.
Protein change: p.Asp253=; no amino-acid change (aspartic acid 253 retained).
Molecular consequence: synonymous variant. On other transcripts: non-coding transcript variant (1).
Genome position (GRCh38, 1-based): chr11:65,186,338, C>T. VCF-style: chr11-65186338-C-T. GRCh37 (hg19) VCF-style: chr11-64953809-C-T.
Other names: c.759C>T, p.Asp253= (NM_001198868.2, NM_001198869.2).
Identifiers: ClinVar variation 1646777 (VCV001646777.13), dbSNP rs185612692, ClinGen allele CA6093165.
Genomic context (GRCh38, chr11:65,186,338, plus strand): 5'-CCTCTACCAGATCATCCTCAAGGCGCTGGAGCGGGGCTCCCTGCTGGGCTGCTCCATAGA[C>T]GTGAGTGTGCCCGGCCCCGATGCTTTGGTACCCTGGAACCCTGGTATCCTGACCTGTCAC-3'
Protein context (NP_005177.2, residues 243-263): ERGSLLGCSI[Asp253=]ISSVLDMEAI

ClinVar aggregate classification (germline): Likely benign. Review status: criteria provided, multiple submitters, no conflicts (2 of 4 stars). 2 submissions from 2 submitters: Likely benign (2). Last evaluated 2025-11-01.

Allele frequency attached by ClinVar (database versions not stated): ExAC 0.00058; gnomAD 0.00125 and 0.00136; ESP Exome Variant Server 0.00138; TOPMed 0.00141; 1000 Genomes Project 30x 0.00156; 1000 Genomes Project 0.00160.
gnomAD v4.1: 485 of 1,608,952 alleles (0.03%); highest among the groups gnomAD compares: African/African-American, 0.35%; 1 homozygote.

Submissions (2):

CeGaT Center for Human Genetics Tuebingen
Classification: Likely benign. Last evaluated: 2025-11-01. Review status: criteria provided, single submitter. Criteria: CeGaT Center For Human Genetics Tuebingen Variant Classification Criteria Version 2. Collection method: clinical testing. Allele origin: germline. Affected: yes. Observed: 1 variant allele.
Comment: CAPN1: BP4, BP7

Labcorp Genetics (formerly Invitae), Labcorp
Classification: Likely benign. Last evaluated: 2025-09-10. Review status: criteria provided, single submitter. Criteria: Invitae Variant Classification Sherloc (09022015). Collection method: clinical testing. Allele origin: germline.